The following is an entry in ClinVar:

NM_000195.5(HPS1):c.970C>T (p.Pro324Ser)

Gene: HPS1 (HPS1 biogenesis of lysosomal organelles complex 3 subunit 1; minus strand). Cytogenetic location: 10q24.2.
Variant type: single nucleotide variant.
Coding change: c.970C>T on transcript NM_000195.5 (MANE Select); coding-DNA position 970, C replaced by T.
Protein change: p.Pro324Ser; replaces proline 324 with serine.
Molecular consequence: missense variant. On other transcripts: 5 prime UTR variant (3).
Genome position (GRCh38, 1-based): chr10:98,427,232, G>A on the plus strand (C>T on the coding strand, the complement: HPS1 is on the minus strand). VCF-style: chr10-98427232-G-A. GRCh37 (hg19) VCF-style: chr10-100186989-G-A.
Other names: c.-3C>T (NM_001311345.2, NM_001322487.2, NM_001322489.2); c.970C>T, p.Pro324Ser (NM_001322476.2, NM_001322477.2); c.871C>T, p.Pro291Ser (NM_001322478.2, NM_001322479.2); c.709C>T, p.Pro237Ser (NM_001322480.2, NM_001322481.2); c.610C>T, p.Pro204Ser (NM_001322482.2); c.601C>T, p.Pro201Ser (NM_001322483.2, NM_001322484.2); c.502C>T, p.Pro168Ser (NM_001322485.2); c.970C>T (NM_000195.3); short protein forms P201S, P291S, P168S, P204S, P237S, P324S.
Identifiers: ClinVar variation 1920569 (VCV001920569.3), dbSNP rs1055799878, ClinGen allele CA378049549.

ClinVar aggregate classification (germline): Uncertain significance. Review status: criteria provided, multiple submitters, no conflicts (2 of 4 stars). 2 submissions from 2 submitters: Uncertain significance (2). Last evaluated 2023-03-08.

Submissions (2):

GeneDx
Classification: Uncertain significance. Last evaluated: 2023-03-08. Review status: criteria provided, single submitter. Criteria: GeneDx Variant Classification Process June 2021. Collection method: clinical testing. Allele origin: germline. Affected: yes.
Comment: In silico analysis supports that this missense variant does not alter protein structure/function; Has not been previously published as pathogenic or benign to our knowledge

Labcorp Genetics (formerly Invitae), Labcorp
Classification: Uncertain significance. Last evaluated: 2022-04-08. Review status: criteria provided, single submitter. Criteria: Invitae Variant Classification Sherloc (09022015). Collection method: clinical testing. Allele origin: germline.
Comment: This sequence change replaces proline, which is neutral and non-polar, with serine, which is neutral and polar, at codon 324 of the HPS1 protein (p.Pro324Ser). This variant is present in population databases (no rsID available, gnomAD 0.01%). This variant has not been reported in the literature in individuals affected with HPS1-related conditions. Algorithms developed to predict the effect of missense changes on protein structure and function (SIFT, PolyPhen-2, Align-GVGD) all suggest that this variant is likely to be tolerated. In summary, the available evidence is currently insufficient to determine the role of this variant in disease. Therefore, it has been classified as a Variant of Uncertain Significance.